The following is an entry in ClinVar:

NM_001080421.3(UNC13A):c.852G>A (p.Glu284=)

Gene: UNC13A (unc-13 homolog A; minus strand). Cytogenetic location: 19p13.11.
Variant type: single nucleotide variant.
Coding change: c.852G>A on transcript NM_001080421.3 (MANE Select); coding-DNA position 852, G replaced by A.
Protein change: p.Glu284=; no amino-acid change (glutamic acid 284 retained).
Molecular consequence: synonymous variant.
Genome position (GRCh38, 1-based): chr19:17,656,314, C>T on the plus strand (G>A on the coding strand, the complement: UNC13A is on the minus strand). VCF-style: chr19-17656314-C-T. GRCh37 (hg19) VCF-style: chr19-17767123-C-T.
Other names: c.852G>A, p.Glu284= (NM_001387021.1, NM_001387022.1, NM_001387023.1).
Identifiers: ClinVar variation 3029565 (VCV003029565.2), dbSNP rs768640284, ClinGen allele CA9298648.

ClinVar aggregate classification (germline): Likely benign (0 of 4 stars; one submission).

Conditions:
UNC13A-related disorder. Also called: UNC13A-related condition.

Allele frequency attached by ClinVar (database versions not stated): gnomAD exomes 0.00001; ExAC 0.00005.
gnomAD v4.1: 12 of 1,555,578 alleles (0.00077%); highest among the groups gnomAD compares: Non-Finnish European, 0.001%; no homozygotes.

Submission:

PreventionGenetics, part of Exact Sciences
Classification: Likely benign for UNC13A-related condition. Last evaluated: 2021-08-10. Review status: no assertion criteria provided. Collection method: clinical testing. Allele origin: germline.
Comment: This variant is classified as likely benign based on ACMG/AMP sequence variant interpretation guidelines (Richards et al. 2015 PMID: 25741868, with internal and published modifications).